The following is an entry in ClinVar:

ClinVar aggregate classification (germline): Uncertain significance (1 of 4 stars; one submission).

Conditions:
Amyotrophic lateral sclerosis type 1 (ALS1). Also called: AMYOTROPHIC LATERAL SCLEROSIS 1, FAMILIAL. Identifiers: Orphanet 803, MedGen C1862939, MONDO:0007103, OMIM 105400.

gnomAD v4.1: 1 of 1,613,872 alleles (0.000062%); highest among the groups gnomAD compares: Non-Finnish European, 0.000085%; no homozygotes.

Submission:

Labcorp Genetics (formerly Invitae), Labcorp
Classification: Uncertain significance for Amyotrophic lateral sclerosis type 1. Last evaluated: 2025-12-08. Review status: criteria provided, single submitter. Criteria: Invitae Variant Classification Sherloc (09022015). Collection method: clinical testing. Allele origin: germline.
Comment: This sequence change replaces glycine, which is neutral and non-polar, with serine, which is neutral and polar, at codon 128 of the SOD1 protein (p.Gly128Ser). This variant is not present in population databases (gnomAD no frequency). This variant has not been reported in the literature in individuals affected with SOD1-related conditions. Invitae Evidence Modeling of protein sequence and biophysical properties (such as structural, functional, and spatial information, amino acid conservation, physicochemical variation, residue mobility, and thermodynamic stability) indicates that this missense variant is expected to disrupt SOD1 protein function with a positive predictive value of 95%. In summary, the available evidence is currently insufficient to determine the role of this variant in disease. Therefore, it has been classified as a Variant of Uncertain Significance.

NM_000454.5(SOD1):c.382G>A (p.Gly128Ser)

Gene: SOD1 (superoxide dismutase 1; plus strand). Cytogenetic location: 21q22.11.
Variant type: single nucleotide variant.
Coding change: c.382G>A on transcript NM_000454.5 (MANE Select); coding-DNA position 382, G replaced by A.
Protein change: p.Gly128Ser; replaces glycine 128 with serine.
Molecular consequence: missense variant.
Genome position (GRCh38, 1-based): chr21:31,668,495, G>A. VCF-style: chr21-31668495-G-A. GRCh37 (hg19) VCF-style: chr21-33040808-G-A.
Other names: short protein forms G128S.
Identifiers: ClinVar variation 4803213 (VCV004803213.1).
Genomic context (GRCh38, chr21:31,668,495, plus strand): 5'-GACAGCCCAAAGTTATCTTCTTAAAATTTTTTACAGGTCCATGAAAAAGCAGATGACTTG[G>A]GCAAAGGTGGAAATGAAGAAAGTACAAAGACAGGAAACGCTGGAAGTCGTTTGGCTTGTG-3'
Protein context (NP_000445.1, residues 118-138): LVVHEKADDL[Gly128Ser]KGGNEESTKT